The following is an entry in ClinVar:

NM_001378969.1(KCND3):c.938C>A (p.Thr313Lys)

Gene: KCND3 (potassium voltage-gated channel subfamily D member 3; minus strand). Cytogenetic location: 1p13.2.
Variant type: single nucleotide variant.
Coding change: c.938C>A on transcript NM_001378969.1 (MANE Select); coding-DNA position 938, C replaced by A.
Protein change: p.Thr313Lys; replaces threonine 313 with lysine.
Molecular consequence: missense variant.
Genome position (GRCh38, 1-based): chr1:111,981,789, G>T on the plus strand (C>A on the coding strand, the complement: KCND3 is on the minus strand). VCF-style: chr1-111981789-G-T. GRCh37 (hg19) VCF-style: chr1-112524411-G-T.
Other names: c.938C>A, p.Thr313Lys (NM_001378970.1, NM_004980.5, NM_172198.3); short protein forms T313K.
Identifiers: ClinVar variation 3897079 (VCV003897079.1).

ClinVar aggregate classification (germline): Uncertain significance (1 of 4 stars; one submission).

Submission:

GeneDx
Classification: Uncertain significance. Last evaluated: 2024-11-01. Review status: criteria provided, single submitter. Criteria: GeneDx Variant Classification Process June 2021. Collection method: clinical testing. Allele origin: germline. Affected: yes.
Comment: Not observed at significant frequency in large population cohorts (gnomAD); In silico analysis supports that this missense variant has a deleterious effect on protein structure/function; Has not been previously published as pathogenic or benign to our knowledge